The following is an entry in ClinVar:

NM_021927.3(GUF1):c.1872+3A>G

Gene: GUF1 (GTP binding elongation factor GUF1; plus strand). Cytogenetic location: 4p12.
Variant type: single nucleotide variant.
Coding change: c.1872+3A>G on transcript NM_021927.3 (MANE Select); 3 bases into the intron after coding-DNA position 1872, A replaced by G.
Molecular consequence: intron variant.
Genome position (GRCh38, 1-based): chr4:44,697,447, A>G. VCF-style: chr4-44697447-A-G. GRCh37 (hg19) VCF-style: chr4-44699464-A-G.
Other names: c.1752+3A>G (NM_001345868.2); c.900+3A>G (NM_001345867.2, NM_001345869.2).
Identifiers: ClinVar variation 1951278 (VCV001951278.6), dbSNP rs775538726, ClinGen allele CA2905787.

ClinVar aggregate classification (germline): Uncertain significance (1 of 4 stars; one submission).

Allele frequency attached by ClinVar (database versions not stated): gnomAD exomes below 0.00001; TOPMed below 0.00001; ExAC 0.00001; gnomAD 0.00001.
gnomAD v4.1: 7 of 1,522,970 alleles (0.00046%); highest among the groups gnomAD compares: Non-Finnish European, 0.00063%; no homozygotes.

Submissions (2):

Labcorp Genetics (formerly Invitae), Labcorp
Classification: Uncertain significance. Last evaluated: 2022-05-04. Review status: criteria provided, single submitter. Criteria: Invitae Variant Classification Sherloc (09022015). Collection method: clinical testing. Allele origin: germline.
Comment: In summary, the available evidence is currently insufficient to determine the role of this variant in disease. Therefore, it has been classified as a Variant of Uncertain Significance. Variants that disrupt the consensus splice site are a relatively common cause of aberrant splicing (PMID: 17576681, 9536098). Algorithms developed to predict the effect of sequence changes on RNA splicing suggest that this variant may disrupt the consensus splice site. This variant has not been reported in the literature in individuals affected with GUF1-related conditions. This variant is not present in population databases (gnomAD no frequency). This sequence change falls in intron 16 of the GUF1 gene. It does not directly change the encoded amino acid sequence of the GUF1 protein. It affects a nucleotide within the consensus splice site.

Dr. Peter K. Rogan Lab, Western University
No classification provided (evidence only). Condition: Colorectal cancer. Review status: no classification provided. Collection method: in vitro. Allele origin: not applicable. Functional consequence: skipped exon, retained intron. Not counted in ClinVar's aggregate classification.

Literature cited by the submitters: PubMed 17576681 (cited by Labcorp Genetics (formerly Invitae), Labcorp); PubMed 9536098 (cited by Labcorp Genetics (formerly Invitae), Labcorp).